The following is an entry in ClinVar:

ClinVar aggregate classification (germline): Uncertain significance. Review status: criteria provided, multiple submitters, no conflicts (2 of 4 stars). 2 submissions from 2 submitters: Uncertain significance (2). Last evaluated 2022-05-12.

Conditions:
Microcephaly, normal intelligence and immunodeficiency (NBS). Also called: SEEMANOVA SYNDROME II; IMMUNODEFICIENCY, MICROCEPHALY, AND CHROMOSOMAL INSTABILITY; Ataxia telangiectasia variant V1; BERLIN BREAKAGE SYNDROME; Nijmegen breakage syndrome; Microcephaly with normal intelligence immunodeficiency and lymphoreticular malignancies. Identifiers: Orphanet 647, MedGen C0398791, MONDO:0009623, OMIM 251260.
Hereditary cancer-predisposing syndrome. Also called: Tumor predisposition; Hereditary Cancer Syndrome; Neoplastic Syndromes, Hereditary; Hereditary neoplastic syndrome. Identifiers: Orphanet 140162, MedGen C0027672, MeSH D009386, MONDO:0015356.

Submissions (2):

Ambry Genetics
Classification: Uncertain significance for Hereditary cancer-predisposing syndrome. Last evaluated: 2022-05-12. Review status: criteria provided, single submitter. Criteria: Ambry Variant Classification Scheme 2023. Collection method: clinical testing. Allele origin: germline.
Comment: The c.2256_2258delGAG variant (also known as p.R754*) is located in coding exon 16 of the NBN gene. This variant results from an in-frame GAG deletion at nucleotide positions 2256 to 2258. This results in the in-frame deletion of an arginine at codon 754. This amino acid position is highly conserved in available vertebrate species. In addition, this alteration is predicted to be neutral by in silico analysis (Choi Y et al. PLoS ONE. 2012; 7(10):e46688). Since supporting evidence is limited at this time, the clinical significance of this alteration remains unclear.

Labcorp Genetics (formerly Invitae), Labcorp
Classification: Uncertain significance for Microcephaly, normal intelligence and immunodeficiency. Last evaluated: 2020-09-24. Review status: criteria provided, single submitter. Criteria: Invitae Variant Classification Sherloc (09022015). Collection method: clinical testing. Allele origin: germline.
Comment: This sequence change results in a premature translational stop signal in the NBN gene (p.Arg754*). While this is not anticipated to result in nonsense mediated decay, it is expected to disrupt the last 1 amino acid of the NBN protein. In summary, the available evidence is currently insufficient to determine the role of this variant in disease. Therefore, it has been classified as a Variant of Uncertain Significance. This variant has not been reported in the literature in individuals with NBN-related conditions. This variant is not present in population databases (ExAC no frequency).

NM_002485.5(NBN):c.2256_2258del (p.Arg754del)

Gene: NBN (nibrin; minus strand). Cytogenetic location: 8q21.3.
Variant type: Deletion.
Coding change: c.2256_2258del on transcript NM_002485.5 (MANE Select); coding-DNA positions 2256 to 2258, 3 bases deleted (GAG; older notation c.2256_2258delGAG).
Protein change: p.Arg754del; deletes arginine 754.
Molecular consequence: inframe deletion.
Genome position (GRCh38, 1-based): chr8:89,935,589-89,935,591, CTC deleted on the plus strand (GAG on the coding strand, the reverse complement: NBN is on the minus strand); deleting any 3 consecutive bases within chr8:89,935,589-89,935,593 gives the same sequence; the c. name uses the placement nearest the transcript's 3' end. VCF-style (leftmost placement, unchanged base first): chr8-89935588-TCTC-T. GRCh37 (hg19) VCF-style: chr8-90947816-TCTC-T.
Other names: c.2010_2012del, p.Arg672del (NM_001024688.3); short protein forms R672del, R754del.
Identifiers: ClinVar variation 1014298 (VCV001014298.9), dbSNP rs1809632212, ClinGen allele CA1801414779.